The following is an entry in ClinVar:

NM_015447.4(CAMSAP1):c.1206G>A (p.Pro402=)

Gene: CAMSAP1 (calmodulin regulated spectrin associated protein 1; minus strand). Cytogenetic location: 9q34.3.
Variant type: single nucleotide variant.
Coding change: c.1206G>A on transcript NM_015447.4 (MANE Select); coding-DNA position 1206, G replaced by A.
Protein change: p.Pro402=; no amino-acid change (proline 402 retained).
Molecular consequence: synonymous variant.
Genome position (GRCh38, 1-based): chr9:135,827,424, C>T on the plus strand (G>A on the coding strand, the complement: CAMSAP1 is on the minus strand). VCF-style: chr9-135827424-C-T. GRCh37 (hg19) VCF-style: chr9-138719270-C-T.
Other names: c.372G>A, p.Pro124= (NM_001411031.1); c.1239G>A, p.Pro413= (NM_001437279.1); c.774G>A, p.Pro258= (NM_001437280.1); c.609G>A, p.Pro203= (NM_001437281.1).
Identifiers: ClinVar variation 4084108 (VCV004084108.8).

ClinVar aggregate classification (germline): Likely benign (1 of 4 stars; one submission).

gnomAD v4.1: 34 of 1,568,396 alleles (0.0022%); highest among the groups gnomAD compares: Non-Finnish European, 0.0026%; no homozygotes.

Submission:

CeGaT Center for Human Genetics Tuebingen
Classification: Likely benign. Last evaluated: 2025-08-01. Review status: criteria provided, single submitter. Criteria: CeGaT Center For Human Genetics Tuebingen Variant Classification Criteria Version 2. Collection method: clinical testing. Allele origin: germline. Affected: yes. Observed: 1 variant allele.
Comment: CAMSAP1: BP4, BP7